The following is an entry in ClinVar:

ClinVar aggregate classification (germline): Pathogenic/Likely pathogenic. Review status: criteria provided, multiple submitters, no conflicts (2 of 4 stars). 2 submissions from 2 submitters: Pathogenic (1); Likely pathogenic (1). Last evaluated 2025-12-08.

Conditions:
Microcephaly-intellectual disability-sensorineural hearing loss-epilepsy-abnormal muscle tone syndrome (NEDHSB). Also called: NEURODEVELOPMENTAL DISORDER WITH HEARING LOSS, SEIZURES, AND BRAIN ABNORMALITIES. Identifiers: Orphanet 457351, MedGen C4225276, MONDO:0014698, OMIM 616577.

Submissions (2):

Labcorp Genetics (formerly Invitae), Labcorp
Classification: Pathogenic for Microcephaly-intellectual disability-sensorineural hearing loss-epilepsy-abnormal muscle tone syndrome. Last evaluated: 2025-12-08. Review status: criteria provided, single submitter. Criteria: Invitae Variant Classification Sherloc (09022015). Collection method: clinical testing. Allele origin: germline.
Comment: This sequence change creates a premature translational stop signal (p.Leu358*) in the SPATA5 gene. It is expected to result in an absent or disrupted protein product. Loss-of-function variants in SPATA5 are known to be pathogenic (PMID: 26299366). This variant is present in population databases (rs751291521, gnomAD 0.0009%). This variant has not been reported in the literature in individuals affected with SPATA5-related conditions. ClinVar contains an entry for this variant (Variation ID: 373135). Algorithms developed to predict the effect of sequence changes on RNA splicing suggest that this variant may disrupt the consensus splice site. For these reasons, this variant has been classified as Pathogenic.

GeneDx
Classification: Likely pathogenic. Last evaluated: 2016-12-01. Review status: criteria provided, single submitter. Criteria: GeneDx Variant Classification (06012015). Collection method: clinical testing. Allele origin: germline. Affected: yes.
Comment: The c.1073delT variant in the SPATA5 gene has not been reported previously as a pathogenic variant nor as a benign variant, to our knowledge. The c.1073delT variant causes a frameshift, changing codon Leucine 358 to a premature Stop codon, denoted p.Leu358Ter. This variant is predicted to cause loss of normal protein function either through protein truncation or nonsense-mediated mRNA decay. The c.1073delT variant was not observed in approximately 6,500 individuals of European and African American ancestry in the NHLBI Exome Sequencing Project, indicating it is not a common benign variant in these populations. We interpret c.1073delT as a likely pathogenic variant.

Literature cited by the submitters: PubMed 26299366 (cited by Labcorp Genetics (formerly Invitae), Labcorp).

NM_145207.3(AFG2A):c.1073del (p.Gly357_Leu358insTer)

Gene: AFG2A (AAA ATPase AFG2A; plus strand). Cytogenetic location: 4q28.1.
Variant type: Deletion.
Coding change: c.1073del on transcript NM_145207.3 (MANE Select); coding-DNA position 1073, one base deleted (T; older notation c.1073delT).
Protein change: p.Gly357_Leu358insTer.
Molecular consequence: nonsense.
Genome position (GRCh38, 1-based): chr4:122,934,664, T deleted; the last of 2 consecutive T bases (chr4:122,934,663-122,934,664); deleting either gives the same sequence. VCF-style (leftmost placement, unchanged base first): chr4-122934662-AT-A. GRCh37 (hg19) VCF-style: chr4-123855817-AT-A.
Other names: c.1070del, p.Gly356_Leu357insTer (NM_001317799.2, NM_001345856.2); c.1073del (NM_145207.2).
Identifiers: ClinVar variation 373135 (VCV000373135.8), dbSNP rs751291521, ClinGen allele CA3070360.
Genomic context (GRCh38, chr4:122,934,662, plus strand): 5'-TGATAAAAATTCAAAAGAGCAAGACAACCAATTCAAAGTAACTTATGACATGATAGGAGG[AT>A]TAAGTAGCCAGCTGAAAGCAATTAGAGAAATAATTGAATTGCCCCTCAAACAGCCTGAGC-3'